The following is an entry in ClinVar:

NM_000528.4(MAN2B1):c.2272del (p.Asp758fs)

Gene: MAN2B1 (mannosidase alpha class 2B member 1; minus strand). Cytogenetic location: 19p13.13.
Variant type: Deletion.
Coding change: c.2272del on transcript NM_000528.4 (MANE Select); coding-DNA position 2272, one base deleted (G; older notation c.2272delG).
Protein change: p.Asp758fs; shifts the reading frame from aspartic acid 758.
Molecular consequence: frameshift variant.
Genome position (GRCh38, 1-based): chr19:12,649,424, C deleted on the plus strand (G on the coding strand, the reverse complement: MAN2B1 is on the minus strand); the first of 3 consecutive C bases (chr19:12,649,424-12,649,426); deleting any one gives the same sequence. VCF-style (leftmost placement, unchanged base first): chr19-12649423-TC-T. GRCh37 (hg19) VCF-style: chr19-12760237-TC-T.
Other names: c.2269del, p.Asp757fs (NM_001173498.2); short protein forms D758fs, D757fs.
Identifiers: ClinVar variation 857238 (VCV000857238.9), dbSNP rs2023782686, ClinGen allele CA916083684.

ClinVar aggregate classification (germline): Pathogenic. Review status: criteria provided, multiple submitters, no conflicts (2 of 4 stars). 2 submissions from 2 submitters: Pathogenic (2). Last evaluated 2023-03-21.

Conditions:
Deficiency of alpha-mannosidase (MANSA). Also called: Alpha-Mannosidosis; Mannosidosis, alpha-, types I and II; LYSOSOMAL ALPHA-D-MANNOSIDASE DEFICIENCY. Identifiers: Orphanet 61, MedGen C0024748, MONDO:0009561, OMIM 248500.

Submissions (2):

Labcorp Genetics (formerly Invitae), Labcorp
Classification: Pathogenic for Deficiency of alpha-mannosidase. Last evaluated: 2023-03-21. Review status: criteria provided, single submitter. Criteria: Invitae Variant Classification Sherloc (09022015). Collection method: clinical testing. Allele origin: germline.
Comment: For these reasons, this variant has been classified as Pathogenic. ClinVar contains an entry for this variant (Variation ID: 857238). This variant has not been reported in the literature in individuals affected with MAN2B1-related conditions. This variant is not present in population databases (gnomAD no frequency). This sequence change creates a premature translational stop signal (p.Asp758Ilefs*8) in the MAN2B1 gene. It is expected to result in an absent or disrupted protein product. Loss-of-function variants in MAN2B1 are known to be pathogenic (PMID: 9915946, 22161967).

Genome-Nilou Lab
Classification: Pathogenic for Deficiency of alpha-mannosidase. Last evaluated: 2021-09-05. Review status: criteria provided, single submitter. Criteria: ACMG Guidelines, 2015. Collection method: clinical testing. Allele origin: germline. Affected: no.

Literature cited by the submitters: PubMed 9915946 (cited by Labcorp Genetics (formerly Invitae), Labcorp); PubMed 22161967 (cited by Labcorp Genetics (formerly Invitae), Labcorp).